The following is an entry in ClinVar:

NM_006231.4(POLE):c.5987T>C (p.Phe1996Ser)

Gene: POLE (DNA polymerase epsilon, catalytic subunit; minus strand). Cytogenetic location: 12q24.33.
Variant type: single nucleotide variant.
Coding change: c.5987T>C on transcript NM_006231.4 (MANE Select); coding-DNA position 5987, T replaced by C.
Protein change: p.Phe1996Ser; replaces phenylalanine 1996 with serine.
Molecular consequence: missense variant.
Genome position (GRCh38, 1-based): chr12:132,634,203, A>G on the plus strand (T>C on the coding strand, the complement: POLE is on the minus strand). VCF-style: chr12-132634203-A-G. GRCh37 (hg19) VCF-style: chr12-133210789-A-G.
Other names: short protein forms F1996S.
Identifiers: ClinVar variation 4742124 (VCV004742124.1).

ClinVar aggregate classification (germline): Uncertain significance (1 of 4 stars; one submission).

Submission:

Labcorp Genetics (formerly Invitae), Labcorp
Classification: Uncertain significance. Last evaluated: 2025-04-30. Review status: criteria provided, single submitter. Criteria: Invitae Variant Classification Sherloc (09022015). Collection method: clinical testing. Allele origin: germline.
Comment: This sequence change replaces phenylalanine, which is neutral and non-polar, with serine, which is neutral and polar, at codon 1996 of the POLE protein (p.Phe1996Ser). This variant is not present in population databases (gnomAD no frequency). This variant has not been reported in the literature in individuals affected with POLE-related conditions. Invitae Evidence Modeling of protein sequence and biophysical properties (such as structural, functional, and spatial information, amino acid conservation, physicochemical variation, residue mobility, and thermodynamic stability) indicates that this missense variant is expected to disrupt POLE protein function with a positive predictive value of 80%. In summary, the available evidence is currently insufficient to determine the role of this variant in disease. Therefore, it has been classified as a Variant of Uncertain Significance.